The following is an entry in ClinVar:

ClinVar aggregate classification (germline): Uncertain significance (1 of 4 stars; one submission).

Allele frequency attached by ClinVar (database versions not stated): ExAC 0.00002; gnomAD exomes below 0.00001.

Submission:

GeneDx
Classification: Uncertain significance. Last evaluated: 2020-11-19. Review status: criteria provided, single submitter. Criteria: GeneDx Variant Classification Process June 2021. Collection method: clinical testing. Allele origin: germline. Affected: yes.
Comment: Has not been previously published as pathogenic or benign to our knowledge; In silico analysis supports that this missense variant has a deleterious effect on protein structure/function

NM_001378452.1(ITPR1):c.883G>A (p.Gly295Arg)

Gene: ITPR1 (inositol 1,4,5-trisphosphate receptor type 1; plus strand). Cytogenetic location: 3p26.1.
Variant type: single nucleotide variant.
Coding change: c.883G>A on transcript NM_001378452.1 (MANE Select); coding-DNA position 883, G replaced by A.
Protein change: p.Gly295Arg; replaces glycine 295 with arginine.
Molecular consequence: missense variant.
Genome position (GRCh38, 1-based): chr3:4,652,150, G>A. VCF-style: chr3-4652150-G-A. GRCh37 (hg19) VCF-style: chr3-4693834-G-A.
Other names: c.883G>A, p.Gly295Arg (NM_001099952.4, NM_001168272.2, NM_002222.7); short protein forms G295R.
Identifiers: ClinVar variation 1303023 (VCV001303023.2), dbSNP rs779584031, ClinGen allele CA2231010.
Genomic context (GRCh38, chr3:4,652,150, plus strand): 5'-CATTTCATTGACTCCTGTTGATCATTCTTGCAGGTGGTCCAGCATGACCCATGTCGGGGC[G>A]GAGCAGGGTATTGGAACAGCCTTTTCCGTTTCAAGCATCTGGCCACGGGGCATTACTTGG-3'
Protein context (NP_001365381.1, residues 285-305): EVVQHDPCRG[Gly295Arg]AGYWNSLFRF